The following is an entry in ClinVar:

NM_000528.4(MAN2B1):c.918T>G (p.Tyr306Ter)

Gene: MAN2B1 (mannosidase alpha class 2B member 1; minus strand). Cytogenetic location: 19p13.13.
Variant type: single nucleotide variant.
Coding change: c.918T>G on transcript NM_000528.4 (MANE Select); coding-DNA position 918, T replaced by G.
Protein change: p.Tyr306Ter; replaces tyrosine 306 with a stop codon.
Molecular consequence: nonsense.
Genome position (GRCh38, 1-based): chr19:12,661,368, A>C on the plus strand (T>G on the coding strand, the complement: MAN2B1 is on the minus strand). VCF-style: chr19-12661368-A-C. GRCh37 (hg19) VCF-style: chr19-12772182-A-C.
Other names: c.918T>G, p.Tyr306Ter (NM_001173498.2, NM_001440570.1); short protein forms Y306*.
Identifiers: ClinVar variation 4814323 (VCV004814323.1).

ClinVar aggregate classification (germline): Likely pathogenic (1 of 4 stars; one submission).

Conditions:
Deficiency of alpha-mannosidase (MANSA). Also called: Alpha-Mannosidosis; Mannosidosis, alpha-, types I and II; LYSOSOMAL ALPHA-D-MANNOSIDASE DEFICIENCY. Identifiers: Orphanet 61, MedGen C0024748, MONDO:0009561, OMIM 248500.

Submission:

Natera, Inc.
Classification: Likely pathogenic for Alpha-mannosidosis. Last evaluated: 2025-09-23. Review status: criteria provided, single submitter. Criteria: Natera Variant Classification Schema (03/2026). Collection method: clinical testing. Allele origin: germline.
Comment: The c.918T>G variant in MAN2B1 is a nonsense variant predicted to introduce a stop codon at amino acid 306. This variant is expected to result in nonsense mediated decay, truncation, or a dysfunctional protein product. This variant is rare in the general population with a frequency below the threshold expected for the associated phenotype(s). Given the available evidence, this variant is classified as Likely Pathogenic.